The following is an entry in ClinVar:

ClinVar aggregate classification (germline): Conflicting classifications of pathogenicity. Review status: criteria provided, conflicting classifications (1 of 4 stars). 4 submissions from 4 submitters: Uncertain significance (3); Likely benign (1). Last evaluated 2024-11-29.

Conditions:
Epidermolysis bullosa simplex 5B, with muscular dystrophy (EBS5B). Also called: Epidermolysis bullosa simplex with muscular dystrophy; EPIDERMOLYSIS BULLOSA SIMPLEX AND LIMB-GIRDLE MUSCULAR DYSTROPHY. Identifiers: Orphanet 257, MedGen C2931072, MONDO:0009181, OMIM 226670.
Epidermolysis bullosa simplex, Ogna type (EBS5A). Also called: Pidermolysis bullosa simplex 5A, Ogna type; EPIDERMOLYSIS BULLOSA SIMPLEX 5A, OGNA TYPE. Identifiers: Orphanet 79401, MedGen C0432317, MONDO:0007555, OMIM 131950.
Epidermolysis bullosa simplex with nail dystrophy (EBS5D). Identifiers: MedGen C4225309, MONDO:0014661, OMIM 616487.
Autosomal recessive limb-girdle muscular dystrophy type 2Q (LGMDR17). Also called: MUSCULAR DYSTROPHY, LIMB-GIRDLE, AUTOSOMAL RECESSIVE 17. Identifiers: Orphanet 254361, MedGen C3150989, MONDO:0013390, OMIM 613723.
Epidermolysis bullosa simplex 5C, with pyloric atresia (EBS5C). Also called: PLEC-Related Epidermolysis Bullosa with Pyloric Atresia; Epidermolysis bullosa simplex with pyloric atresia; PLEC1-Related Epidermolysis Bullosa with Pyloric Atresia. Identifiers: Orphanet 158684, MedGen C2677349, MONDO:0012807, OMIM 612138.
Inborn genetic diseases. Identifiers: MedGen C0950123, MeSH D030342.

Allele frequency attached by ClinVar (database versions not stated): gnomAD exomes 0.00002; gnomAD 0.00003 and 0.00004; TOPMed 0.00003; ExAC 0.00007.
gnomAD v4.1: 29 of 1,539,978 alleles (0.0019%); highest among the groups gnomAD compares: East Asian, 0.0024%; no homozygotes.

Submissions (4):

Labcorp Genetics (formerly Invitae), Labcorp
Classification: Uncertain significance for Autosomal recessive limb-girdle muscular dystrophy type 2Q; Epidermolysis bullosa simplex, Ogna type; Epidermolysis bullosa simplex with nail dystrophy; Epidermolysis bullosa simplex 5C, with pyloric atresia; Epidermolysis bullosa simplex 5B, with muscular dystrophy. Last evaluated: 2024-11-29. Review status: criteria provided, single submitter. Criteria: Invitae Variant Classification Sherloc (09022015). Collection method: clinical testing. Allele origin: germline.
Comment: This sequence change replaces arginine, which is basic and polar, with glutamine, which is neutral and polar, at codon 2583 of the PLEC protein (p.Arg2583Gln). This variant is present in population databases (rs782640329, gnomAD 0.02%). This variant has not been reported in the literature in individuals affected with PLEC-related conditions. ClinVar contains an entry for this variant (Variation ID: 598336). Invitae Evidence Modeling of protein sequence and biophysical properties (such as structural, functional, and spatial information, amino acid conservation, physicochemical variation, residue mobility, and thermodynamic stability) has been performed for this missense variant. However, the output from this modeling did not meet the statistical confidence thresholds required to predict the impact of this variant on PLEC protein function. In summary, the available evidence is currently insufficient to determine the role of this variant in disease. Therefore, it has been classified as a Variant of Uncertain Significance.

Ambry Genetics
Classification: Uncertain significance for Inborn genetic diseases. Last evaluated: 2024-11-07. Review status: criteria provided, single submitter. Criteria: Ambry Variant Classification Scheme 2023. Collection method: clinical testing. Allele origin: germline.

GeneDx
Classification: Likely benign. Last evaluated: 2021-03-15. Review status: criteria provided, single submitter. Criteria: GeneDx Variant Classification Process June 2021. Collection method: clinical testing. Allele origin: germline. Affected: yes.
Comment: Missense variant in a gene in which most reported pathogenic variants are truncating/loss-of-function; In silico analysis supports that this missense variant does not alter protein structure/function; Has not been previously published as pathogenic or benign to our knowledge

Eurofins Ntd Llc (ga)
Classification: Uncertain significance. Last evaluated: 2018-08-14. Review status: criteria provided, single submitter. Criteria: EGL ClinVar v180209 classification definitions. Collection method: clinical testing. Allele origin: germline. Observed: 1 variant allele, 1 heterozygote.

NM_201384.3(PLEC):c.7667G>A (p.Arg2556Gln)

Gene: PLEC (plectin; minus strand). Cytogenetic location: 8q24.3.
Variant type: single nucleotide variant.
Coding change: c.7667G>A on transcript NM_201384.3 (MANE Select); coding-DNA position 7667, G replaced by A.
Protein change: p.Arg2556Gln; replaces arginine 2556 with glutamine.
Molecular consequence: missense variant.
Genome position (GRCh38, 1-based): chr8:143,922,154, C>T on the plus strand (G>A on the coding strand, the complement: PLEC is on the minus strand). VCF-style: chr8-143922154-C-T. GRCh37 (hg19) VCF-style: chr8-144996322-C-T.
Other names: c.7748G>A, p.Arg2583Gln (NM_000445.5); c.7625G>A, p.Arg2542Gln (NM_201378.4); c.7601G>A, p.Arg2534Gln (NM_201379.3); c.8078G>A, p.Arg2693Gln (NM_201380.4); c.7571G>A, p.Arg2524Gln (NM_201381.3); c.7667G>A, p.Arg2556Gln (NM_201382.4); c.7679G>A, p.Arg2560Gln (NM_201383.3); short protein forms R2524Q, R2556Q, R2583Q, R2693Q, R2534Q, R2542Q, R2560Q.
Identifiers: ClinVar variation 598336 (VCV000598336.13), dbSNP rs782640329, ClinGen allele CA4925551.